The following is an entry in ClinVar:

ClinVar aggregate classification (germline): Likely benign. Review status: criteria provided, single submitter (1 of 4 stars). 2 submissions from 1 submitter: Likely benign (2). Last evaluated 2018-01-12.

Conditions:
Susceptibility to mononeuropathy of the median nerve, mild. Also called: CARPAL TUNNEL SYNDROME, SUSCEPTIBILITY TO. Identifiers: MedGen C3150596, MONDO:0013237, OMIM 613353.
Charcot-Marie-Tooth disease type 4C (CMT4C). Also called: CHARCOT-MARIE-TOOTH DISEASE, DEMYELINATING, AUTOSOMAL RECESSIVE, TYPE 4C; CMT 4C; Charcot-Marie-Tooth Neuropathy Type 4C (CMT4C); CHARCOT-MARIE-TOOTH DISEASE, DEMYELINATING, TYPE 4C; SH3TC2-Related Hereditary Motor and Sensory Neuropathy. Identifiers: Orphanet 99949, MedGen C1866636, MONDO:0011113, OMIM 601596.

Allele frequency attached by ClinVar (database versions not stated): gnomAD 0.00039 and 0.00041; 1000 Genomes Project 0.00040; TOPMed 0.00040; 1000 Genomes Project 30x 0.00047.
gnomAD v4.1: 59 of 152,256 alleles (0.039%); highest among the groups gnomAD compares: Non-Finnish European, 0.072%; no homozygotes.

Submissions (2):

Illumina Laboratory Services, Illumina
Classification: Likely benign for Charcot-Marie-Tooth disease type 4C. Last evaluated: 2018-01-12. Review status: criteria provided, single submitter. Criteria: ICSL Variant Classification Criteria 13 December 2019. Collection method: clinical testing. Allele origin: germline.
Comment: This variant was observed in the ICSL laboratory as part of a predisposition screen in an ostensibly healthy population. It had not been previously curated by ICSL or reported in the Human Gene Mutation Database (HGMD: prior to June 1st, 2018), and was therefore a candidate for classification through an automated scoring system. Utilizing variant allele frequency, disease prevalence and penetrance estimates, and inheritance mode, an automated score was calculated to assess if this variant is too frequent to cause the disease. Based on the score and internal cut-off values, a variant classified as likely benign is not then subjected to further curation. The score for this variant resulted in a classification of likely benign for this disease.

Illumina Laboratory Services, Illumina
Classification: Likely benign for Susceptibility to mononeuropathy of the median nerve, mild. Last evaluated: 2018-01-12. Review status: criteria provided, single submitter. Criteria: ICSL Variant Classification Criteria 13 December 2019. Collection method: clinical testing. Allele origin: germline.
Comment: the same text as in the submission from Illumina Laboratory Services, Illumina above.

NM_024577.4(SH3TC2):c.*6350G>A

Gene: SH3TC2 (SH3 domain and tetratricopeptide repeats 2; minus strand). Cytogenetic location: 5q32.
Variant type: single nucleotide variant.
Coding change: c.*6350G>A on transcript NM_024577.4 (MANE Select); 6350 bases downstream of the stop codon, G replaced by A.
Molecular consequence: 3 prime UTR variant.
Genome position (GRCh38, 1-based): chr5:148,998,361, C>T on the plus strand (G>A on the coding strand, the complement: SH3TC2 is on the minus strand). VCF-style: chr5-148998361-C-T. GRCh37 (hg19) VCF-style: chr5-148377924-C-T.
Identifiers: ClinVar variation 351791 (VCV000351791.5), dbSNP rs184940808, ClinGen allele CA10623441.